The following is an entry in ClinVar:

NM_001366722.1(GRIP1):c.2001C>T (p.Ser667=)

Gene: GRIP1 (glutamate receptor interacting protein 1; minus strand). Cytogenetic location: 12q14.3.
Variant type: single nucleotide variant.
Coding change: c.2001C>T on transcript NM_001366722.1 (MANE Select); coding-DNA position 2001, C replaced by T.
Protein change: p.Ser667=; no amino-acid change (serine 667 retained).
Molecular consequence: synonymous variant.
Genome position (GRCh38, 1-based): chr12:66,394,336, G>A on the plus strand (C>T on the coding strand, the complement: GRIP1 is on the minus strand). VCF-style: chr12-66394336-G-A. GRCh37 (hg19) VCF-style: chr12-66788116-G-A.
Other names: c.1845C>T (NM_021150.3); c.1845C>T, p.Ser615= (NM_001178074.2, NM_001379351.1, NM_021150.4); c.1920C>T, p.Ser640= (NM_001366723.1, NM_001379348.1); c.1923C>T, p.Ser641= (NM_001366724.1, NM_001379347.1); c.2079C>T, p.Ser693= (NM_001379345.1); c.2001C>T, p.Ser667= (NM_001379346.1); c.1848C>T, p.Ser616= (NM_001379349.1).
Identifiers: ClinVar variation 2868707 (VCV002868707.5), dbSNP rs767685565, ClinGen allele CA6674218.
Genomic context (GRCh38, chr12:66,394,336, plus strand): 5'-AATTGTGATGCCAAGGGGCCCCCCGTAGCGTTTAAGCTCCACGGTGTAAATAATTGCTCC[G>A]GAACTTTCTTGCTCATCTGTAATAAATGCCAAGGAATCATAATTGATTTCTTTGGAAAAA-3'
Protein context (NP_001353651.1, residues 657-677): DEDNSDEQES[Ser667=]GAIIYTVELK

ClinVar aggregate classification (germline): Likely benign. Review status: criteria provided, single submitter (1 of 4 stars). 2 submissions from 2 submitters: Likely benign (1). 1 of the submissions does not count toward it. Last evaluated 2026-01-24.

Conditions:
GRIP1-related disorder. Also called: GRIP1-related condition.

Allele frequency attached by ClinVar (database versions not stated): gnomAD 0.00001; TOPMed below 0.00001; gnomAD exomes 0.00002; ExAC 0.00002.
gnomAD v4.1: 30 of 1,613,882 alleles (0.0019%); highest among the groups gnomAD compares: South Asian, 0.0077%; no homozygotes.

Submissions (2):

Labcorp Genetics (formerly Invitae), Labcorp
Classification: Likely benign. Last evaluated: 2026-01-24. Review status: criteria provided, single submitter. Criteria: Invitae Variant Classification Sherloc (09022015). Collection method: clinical testing. Allele origin: germline.

PreventionGenetics, part of Exact Sciences
Classification: Likely benign for GRIP1-related condition. Last evaluated: 2022-02-21. Review status: no assertion criteria provided. Collection method: clinical testing. Allele origin: germline. Not counted in ClinVar's aggregate classification.
Comment: This variant is classified as likely benign based on ACMG/AMP sequence variant interpretation guidelines (Richards et al. 2015 PMID: 25741868, with internal and published modifications).